The following is an entry in ClinVar:

ClinVar aggregate classification (germline): Pathogenic (1 of 4 stars; one submission).

Submission:

GeneDx
Classification: Pathogenic. Last evaluated: 2018-05-02. Review status: criteria provided, single submitter. Criteria: GeneDx Variant Classification (06012015). Collection method: clinical testing. Allele origin: germline. Affected: yes.
Comment: The c.3782delC variant in the KAT6A gene has not been reported previously as a pathogenic variant nor as a benign variant, to our knowledge. The c.3782delC variant causes a frameshift starting with codon Proline 1261, changes this amino acid to a Leucine residue, and creates a premature Stop codon at position 33 of the new reading frame, denoted p.Pro1261LeufsX33. This variant is predicted to cause loss of normal protein function through protein truncation. The c.3782delC variant is not observed in large population cohorts (Lek et al., 2016). We interpret c.3782delC as a pathogenic variant.

NM_006766.5(KAT6A):c.3782del (p.Pro1261fs)

Gene: KAT6A (lysine acetyltransferase 6A; minus strand). Cytogenetic location: 8p11.21.
Variant type: Deletion.
Coding change: c.3782del on transcript NM_006766.5 (MANE Select); coding-DNA position 3782, one base deleted (C; older notation c.3782delC).
Protein change: p.Pro1261fs; shifts the reading frame from proline 1261.
Molecular consequence: frameshift variant.
Genome position (GRCh38, 1-based): chr8:41,934,438, G deleted on the plus strand (C on the coding strand, the reverse complement: KAT6A is on the minus strand); the first of 2 consecutive G bases (chr8:41,934,438-41,934,439); deleting either gives the same sequence. VCF-style (leftmost placement, unchanged base first): chr8-41934437-AG-A. GRCh37 (hg19) VCF-style: chr8-41791955-AG-A.
Other names: short protein forms P1261fs.
Identifiers: ClinVar variation 524127 (VCV000524127.2), dbSNP rs1554680113, ClinGen allele CA658797089.